The following is an entry in ClinVar:

NM_015272.5(RPGRIP1L):c.2672G>A (p.Arg891Lys)

Gene: RPGRIP1L (RPGRIP1 like; minus strand). Cytogenetic location: 16q12.2.
Variant type: single nucleotide variant.
Coding change: c.2672G>A on transcript NM_015272.5 (MANE Select); coding-DNA position 2672, G replaced by A.
Protein change: p.Arg891Lys; replaces arginine 891 with lysine.
Molecular consequence: missense variant.
Genome position (GRCh38, 1-based): chr16:53,645,636, C>T on the plus strand (G>A on the coding strand, the complement: RPGRIP1L is on the minus strand). VCF-style: chr16-53645636-C-T. GRCh37 (hg19) VCF-style: chr16-53679548-C-T.
Other names: c.2672G>A, p.Arg891Lys (NM_001127897.4, NM_001308334.3, NM_001330538.2); short protein forms R891K.
Identifiers: ClinVar variation 1046605 (VCV001046605.8), dbSNP rs200531735, ClinGen allele CA8057503.
Genomic context (GRCh38, chr16:53,645,636, plus strand): 5'-AATTTTGTTTTGTTTTTACAATTTTATAGATTCAAAAACATAGGCTTACCTGAGATACAC[C>T]TGTCATGTGCCAACGAAATCAGAGGCACATTGACTTTTCCTATGTAAATATTCTCCTGGG-3'
Protein context (NP_056087.2, residues 881-901): NVPLISLAHD[Arg891Lys]CISGIFELTD

ClinVar aggregate classification (germline): Uncertain significance. Review status: criteria provided, multiple submitters, no conflicts (2 of 4 stars). 3 submissions from 3 submitters: Uncertain significance (2). 1 of the submissions does not count toward it. Last evaluated 2024-04-02.

Conditions:
Joubert syndrome. Also called: Familial aplasia of the vermis; CEREBELLOPARENCHYMAL DISORDER IV; JOUBERT-BOLTSHAUSER SYNDROME. Identifiers: Orphanet 475, MedGen C5979921, MONDO:0018772.
Meckel-Gruber syndrome. Also called: Dysencephalia splachnocystica; DYSENCEPHALIA SPLANCHNOCYSTICA; GRUBER SYNDROME. Identifiers: Orphanet 564, MedGen C0265215, MONDO:0018921.
Joubert syndrome 7 (JBTS7). Identifiers: Orphanet 220497, MedGen C1969053, MONDO:0012694, OMIM 611560.
Meckel syndrome, type 5 (MKS5). Identifiers: Orphanet 564, MedGen C1969052, MONDO:0012695, OMIM 611561.
COACH syndrome 3. Identifiers: MedGen C5436841, MONDO:0030862, OMIM 619113.

Allele frequency attached by ClinVar (database versions not stated): gnomAD exomes below 0.00001 and 0.00001; gnomAD 0.00001 and 0.00002; ExAC 0.00002; 1000 Genomes Project 30x 0.00031; 1000 Genomes Project 0.00040.
gnomAD v4.1: 4 of 1,613,548 alleles (0.00025%); highest among the groups gnomAD compares: African/African-American, 0.0027%; no homozygotes.

Submissions (3):

Fulgent Genetics
Classification: Uncertain significance for Joubert syndrome 7; Meckel syndrome, type 5; COACH syndrome 3. Last evaluated: 2024-04-02. Review status: criteria provided, single submitter. Criteria: ACMG Guidelines, 2015. Collection method: clinical testing. Allele origin: germline.

Labcorp Genetics (formerly Invitae), Labcorp
Classification: Uncertain significance for Joubert syndrome; Meckel-Gruber syndrome. Last evaluated: 2021-08-31. Review status: criteria provided, single submitter. Criteria: Invitae Variant Classification Sherloc (09022015). Collection method: clinical testing. Allele origin: germline.
Comment: This sequence change replaces arginine with lysine at codon 891 of the RPGRIP1L protein (p.Arg891Lys). The arginine residue is moderately conserved and there is a small physicochemical difference between arginine and lysine. This variant is present in population databases (rs200531735, ExAC 0.02%). This variant has not been reported in the literature in individuals affected with RPGRIP1L-related conditions. Algorithms developed to predict the effect of missense changes on protein structure and function output the following: SIFT: "Tolerated"; PolyPhen-2: "Benign"; Align-GVGD: "Class C0". The lysine amino acid residue is found in multiple mammalian species, which suggests that this missense change does not adversely affect protein function. In summary, the available evidence is currently insufficient to determine the role of this variant in disease. Therefore, it has been classified as a Variant of Uncertain Significance.

Natera, Inc.
Classification: Uncertain significance for Joubert syndrome. Last evaluated: 2020-08-27. Review status: no assertion criteria provided. Collection method: clinical testing. Allele origin: germline. Not counted in ClinVar's aggregate classification.